The following is an entry in ClinVar:

NM_015330.6(SPECC1L):c.-4C>G

Genes: SPECC1L (sperm antigen with calponin homology and coiled-coil domains 1 like; plus strand), SPECC1L-ADORA2A (SPECC1L-ADORA2A readthrough (NMD candidate); plus strand). Cytogenetic location: 22q11.23.
Variant type: single nucleotide variant.
Coding change: c.-4C>G on transcript NM_015330.6 (MANE Select); 4 bases upstream of the start codon, C replaced by G.
Molecular consequence: 5 prime UTR variant. On other transcripts: non-coding transcript variant (1).
Genome position (GRCh38, 1-based): chr22:24,302,228, C>G. VCF-style: chr22-24302228-C-G. GRCh37 (hg19) VCF-style: chr22-24698196-C-G.
Other names: c.-4C>G (NM_001145468.4, NM_001254732.3).
Identifiers: ClinVar variation 3374846 (VCV003374846.1).

ClinVar aggregate classification (germline): Uncertain significance (1 of 4 stars; one submission).

gnomAD v4.1: 33 of 1,613,774 alleles (0.002%); highest among the groups gnomAD compares: Admixed American, 0.005%; no homozygotes.

Submission:

Women's Health and Genetics/Laboratory Corporation of America, LabCorp
Classification: Uncertain significance. Last evaluated: 2024-09-12. Review status: criteria provided, single submitter. Criteria: LabCorp Variant Classification Summary - May 2015. Collection method: clinical testing. Allele origin: germline.
Comment: Variant summary: SPECC1L c.-4C>G is located in the untranslated mRNA region upstream of the initiation codon. The variant allele was found at a frequency of 1.2e-05 in 251320 control chromosomes. The available data on variant occurrences in the general population are insufficient to allow any conclusion about variant significance. To our knowledge, no occurrence of c.-4C>G in individuals affected with SPECC1L-Related Disorders and no experimental evidence demonstrating its impact on protein function have been reported. No submitters have cited clinical-significance assessments for this variant to ClinVar. Based on the evidence outlined above, the variant was classified as uncertain significance.